The following is an entry in ClinVar:

NM_001379500.1(COL18A1):c.107-11594G>C

Gene: COL18A1 (collagen type XVIII alpha 1 chain; plus strand). Cytogenetic location: 21q22.3.
Variant type: single nucleotide variant.
Coding change: c.107-11594G>C on transcript NM_001379500.1 (MANE Select); 11594 bases into the intron before coding-DNA position 107, G replaced by C.
Molecular consequence: intron variant. On other transcripts: missense variant (1).
Genome position (GRCh38, 1-based): chr21:45,456,648, G>C. VCF-style: chr21-45456648-G-C. GRCh37 (hg19) VCF-style: chr21-46876562-G-C.
Other names: c.1118G>C (NM_130444.2); c.1118G>C, p.Trp373Ser (NM_130444.3); c.646+472G>C (NM_030582.4); short protein forms W373S.
Identifiers: ClinVar variation 1306398 (VCV001306398.4), dbSNP rs559500998, ClinGen allele CA10065629.

ClinVar aggregate classification (germline): Conflicting classifications of pathogenicity. Review status: criteria provided, conflicting classifications (1 of 4 stars). 3 submissions from 3 submitters: Uncertain significance (1); Benign (1); Likely benign (1). Last evaluated 2024-11-22.

Conditions:
COL18A1-related disorder. Also called: COL18A1-related condition; COL18A1-related disorders.

Allele frequency attached by ClinVar (database versions not stated): 1000 Genomes Project 30x 0.00016; 1000 Genomes Project 0.00020.
gnomAD v4.1: 232 of 1,534,892 alleles (0.015%); highest among the groups gnomAD compares: South Asian, 0.24%; no homozygotes.

Submissions (3):

Blueprint Genetics
Classification: Benign. Last evaluated: 2024-11-22. Review status: criteria provided, single submitter. Criteria: ACMG Guidelines, 2015. Collection method: clinical testing. Allele origin: germline.

PreventionGenetics, part of Exact Sciences
Classification: Likely benign for COL18A1-related condition. Last evaluated: 2024-10-09. Review status: criteria provided, single submitter. Criteria: ACMG Guidelines, 2015. Collection method: clinical testing. Allele origin: germline.
Comment: This variant is classified as likely benign based on ACMG/AMP sequence variant interpretation guidelines (Richards et al. 2015 PMID: 25741868, with internal and published modifications).

GeneDx
Classification: Uncertain significance. Last evaluated: 2019-06-15. Review status: criteria provided, single submitter. Criteria: GeneDx Variant Classification Process June 2021. Collection method: clinical testing. Allele origin: germline. Affected: yes.
Comment: Has not been previously published as pathogenic or benign to our knowledge; In silico analysis, which includes protein predictors and evolutionary conservation, supports a deleterious effect